The following is an entry in ClinVar:

ClinVar aggregate classification (germline): Likely benign (1 of 4 stars; one submission).

Allele frequency attached by ClinVar (database versions not stated): 1000 Genomes Project 30x 0.00125.

Submission:

CeGaT Center for Human Genetics Tuebingen
Classification: Likely benign. Last evaluated: 2026-04-01. Review status: criteria provided, single submitter. Criteria: CeGaT Center For Human Genetics Tuebingen Variant Classification Criteria Version 2. Collection method: clinical testing. Allele origin: germline. Affected: yes. Observed: 4 variant alleles.
Comment: NUTM2B: BP4, BP7

NM_001278495.2(NUTM2B):c.918T>C (p.His306=)

Genes: NUTM2B (NUT family member 2B; plus strand), NUTM2B-AS1 (NUTM2B antisense RNA 1; minus strand). Cytogenetic location: 10q22.3.
Variant type: single nucleotide variant.
Coding change: c.918T>C on transcript NM_001278495.2 (MANE Select); coding-DNA position 918, T replaced by C.
Protein change: p.His306=; no amino-acid change (histidine 306 retained).
Molecular consequence: synonymous variant.
Genome position (GRCh38, 1-based): chr10:79,706,577, T>C. VCF-style: chr10-79706577-T-C. GRCh37 (hg19) VCF-style: chr10-81466333-T-C.
Identifiers: ClinVar variation 3025690 (VCV003025690.22), dbSNP rs1172700128, ClinGen allele CA470655357.